The following is an entry in ClinVar:

ClinVar aggregate classification (germline): Uncertain significance (1 of 4 stars; one submission).

Conditions:
Benign neonatal seizures. Also called: Convulsions benign familial neonatal dominant form; Autosomal dominant form of benign neonatal seizures; Benign familial neonatal seizures; Benign neonatal familial convulsions; Benign familial neonatal epilepsy. Identifiers: Orphanet 1949, MedGen C0220669, MONDO:0016027.

Submission:

Labcorp Genetics (formerly Invitae), Labcorp
Classification: Uncertain significance for Benign neonatal seizures. Last evaluated: 2025-01-25. Review status: criteria provided, single submitter. Criteria: Invitae Variant Classification Sherloc (09022015). Collection method: clinical testing. Allele origin: germline.
Comment: This sequence change replaces valine, which is neutral and non-polar, with isoleucine, which is neutral and non-polar, at codon 450 of the KCNQ3 protein (p.Val450Ile). This variant is not present in population databases (gnomAD no frequency). This variant has not been reported in the literature in individuals affected with KCNQ3-related conditions. Invitae Evidence Modeling of protein sequence and biophysical properties (such as structural, functional, and spatial information, amino acid conservation, physicochemical variation, residue mobility, and thermodynamic stability) indicates that this missense variant is not expected to disrupt KCNQ3 protein function with a negative predictive value of 80%. In summary, the available evidence is currently insufficient to determine the role of this variant in disease. Therefore, it has been classified as a Variant of Uncertain Significance.

NM_004519.4(KCNQ3):c.1348G>A (p.Val450Ile)

Gene: KCNQ3 (potassium voltage-gated channel subfamily Q member 3; minus strand). Cytogenetic location: 8q24.22.
Variant type: single nucleotide variant.
Coding change: c.1348G>A on transcript NM_004519.4 (MANE Select); coding-DNA position 1348, G replaced by A.
Protein change: p.Val450Ile; replaces valine 450 with isoleucine.
Molecular consequence: missense variant.
Genome position (GRCh38, 1-based): chr8:132,141,246, C>T on the plus strand (G>A on the coding strand, the complement: KCNQ3 is on the minus strand). VCF-style: chr8-132141246-C-T. GRCh37 (hg19) VCF-style: chr8-133153493-C-T.
Other names: c.988G>A, p.Val330Ile (NM_001204824.2); short protein forms V450I, V330I.
Identifiers: ClinVar variation 3690312 (VCV003690312.2).